The following is an entry in ClinVar:

NM_000038.6(APC):c.4928G>C (p.Cys1643Ser)

Gene: APC (APC regulator of Wnt signaling pathway; plus strand). Cytogenetic location: 5q22.2.
Variant type: single nucleotide variant.
Coding change: c.4928G>C on transcript NM_000038.6 (MANE Select); coding-DNA position 4928, G replaced by C.
Protein change: p.Cys1643Ser; replaces cysteine 1643 with serine.
Molecular consequence: missense variant.
Genome position (GRCh38, 1-based): chr5:112,840,522, G>C. VCF-style: chr5-112840522-G-C. GRCh37 (hg19) VCF-style: chr5-112176219-G-C.
Other names: c.4928G>C (NM_000038.5); c.4928G>C, p.Cys1643Ser (NM_001127510.3, NM_001354895.2, NM_001407450.1); c.4874G>C, p.Cys1625Ser (NM_001127511.3); c.4982G>C, p.Cys1661Ser (NM_001354896.2, NM_001407447.1, NM_001407448.1 and 1 more transcripts); c.4958G>C, p.Cys1653Ser (NM_001354897.2); c.4853G>C, p.Cys1618Ser (NM_001354898.2); c.4844G>C, p.Cys1615Ser (NM_001354899.2); c.4805G>C, p.Cys1602Ser (NM_001354900.2); and 12 more; short protein forms C1483S, C1514S, C1542S, C1602S, C1653S, C1517S, C1552S, C1618S.
Identifiers: ClinVar variation 2080400 (VCV002080400.5), dbSNP rs748715887, ClinGen allele CA16032124.

ClinVar aggregate classification (germline): Uncertain significance. Review status: criteria provided, multiple submitters, no conflicts (2 of 4 stars). 2 submissions from 2 submitters: Uncertain significance (2). Last evaluated 2024-03-28.

Conditions:
Hereditary cancer-predisposing syndrome. Also called: Hereditary Cancer Syndrome; Tumor predisposition; Hereditary neoplastic syndrome; Neoplastic Syndromes, Hereditary. Identifiers: Orphanet 140162, MedGen C0027672, MeSH D009386, MONDO:0015356.
Familial adenomatous polyposis 1 (FAP1). Also called: POLYPOSIS, ADENOMATOUS INTESTINAL; FAMILIAL ADENOMATOUS POLYPOSIS 1, ATTENUATED. Identifiers: MedGen C2713442, MONDO:0021056, OMIM 175100. Disease mechanism: loss of function.

Submissions (2):

Ambry Genetics
Classification: Uncertain significance for Hereditary cancer-predisposing syndrome. Last evaluated: 2024-03-28. Review status: criteria provided, single submitter. Criteria: Ambry Variant Classification Scheme 2023. Collection method: clinical testing. Allele origin: germline.
Comment: The p.C1643S variant (also known as c.4928G>C), located in coding exon 15 of the APC gene, results from a G to C substitution at nucleotide position 4928. The cysteine at codon 1643 is replaced by serine, an amino acid with dissimilar properties. This amino acid position is conserved. In addition, in silico predictors for this gene do not accurately predict pathogenicity. Based on the available evidence, the clinical significance of this alteration remains unclear.

Labcorp Genetics (formerly Invitae), Labcorp
Classification: Uncertain significance for Familial adenomatous polyposis 1. Last evaluated: 2022-01-11. Review status: criteria provided, single submitter. Criteria: Invitae Variant Classification Sherloc (09022015). Collection method: clinical testing. Allele origin: germline.
Comment: This sequence change replaces cysteine, which is neutral and slightly polar, with serine, which is neutral and polar, at codon 1643 of the APC protein (p.Cys1643Ser). This variant is not present in population databases (gnomAD no frequency). This variant has not been reported in the literature in individuals affected with APC-related conditions. Algorithms developed to predict the effect of missense changes on protein structure and function are either unavailable or do not agree on the potential impact of this missense change (SIFT: "Deleterious"; PolyPhen-2: "Probably Damaging"; Align-GVGD: "Class C0"). In summary, the available evidence is currently insufficient to determine the role of this variant in disease. Therefore, it has been classified as a Variant of Uncertain Significance.